The following is an entry in ClinVar:

ClinVar aggregate classification (germline): Uncertain significance (1 of 4 stars; one submission).

Submission:

Ambry Genetics
Classification: Uncertain significance. Last evaluated: 2024-05-23. Review status: criteria provided, single submitter. Criteria: Ambry Variant Classification Scheme 2023. Collection method: clinical testing. Allele origin: germline.
Comment: The p.N120K variant (also known as c.360C>G), located in coding exon 5 of the FAM175A gene, results from a C to G substitution at nucleotide position 360. The asparagine at codon 120 is replaced by lysine, an amino acid with similar properties. This amino acid position is conserved. In addition, this alteration is predicted to be tolerated by in silico analysis. Based on the available evidence, the clinical significance of this variant remains unclear.

NM_139076.3(ABRAXAS1):c.360C>G (p.Asn120Lys)

Gene: ABRAXAS1 (abraxas 1, BRCA1 A complex subunit; minus strand). Cytogenetic location: 4q21.23.
Variant type: single nucleotide variant.
Coding change: c.360C>G on transcript NM_139076.3 (MANE Select); coding-DNA position 360, C replaced by G.
Protein change: p.Asn120Lys; replaces asparagine 120 with lysine.
Molecular consequence: missense variant.
Genome position (GRCh38, 1-based): chr4:83,470,319, G>C on the plus strand (C>G on the coding strand, the complement: ABRAXAS1 is on the minus strand). VCF-style: chr4-83470319-G-C. GRCh37 (hg19) VCF-style: chr4-84391472-G-C.
Other names: c.33C>G, p.Asn11Lys (NM_001345962.2); short protein forms N11K, N120K.
Identifiers: ClinVar variation 3334582 (VCV003334582.1).